The following is an entry in ClinVar:

NM_020812.4(DOCK6):c.807-1G>A

Gene: DOCK6 (dedicator of cytokinesis 6; minus strand). Cytogenetic location: 19p13.2.
Variant type: single nucleotide variant.
Coding change: c.807-1G>A on transcript NM_020812.4 (MANE Select); the canonical splice acceptor site of the intron before coding-DNA position 807, G replaced by A.
Molecular consequence: splice acceptor variant.
Genome position (GRCh38, 1-based): chr19:11,245,879, C>T on the plus strand (G>A on the coding strand, the complement: DOCK6 is on the minus strand). VCF-style: chr19-11245879-C-T. GRCh37 (hg19) VCF-style: chr19-11356555-C-T.
Other names: c.807-1G>A (NM_001367830.1).
Identifiers: ClinVar variation 2872746 (VCV002872746.4), dbSNP rs761549734, ClinGen allele CA9208327.

ClinVar aggregate classification (germline): Likely pathogenic. Review status: criteria provided, multiple submitters, no conflicts (2 of 4 stars). 2 submissions from 2 submitters: Likely pathogenic (2). Last evaluated 2023-10-10.

Conditions:
Adams-Oliver syndrome 2 (AOS2). Identifiers: Orphanet 974, MedGen C3280182, MONDO:0013635, OMIM 614219.

Allele frequency attached by ClinVar (database versions not stated): TOPMed 0.00001; gnomAD exomes below 0.00001; gnomAD 0.00001.
gnomAD v4.1: 5 of 1,559,944 alleles (0.00032%); highest among the groups gnomAD compares: East Asian, 0.0024%; no homozygotes.

Submissions (2):

Labcorp Genetics (formerly Invitae), Labcorp
Classification: Likely pathogenic. Last evaluated: 2023-10-10. Review status: criteria provided, single submitter. Criteria: Invitae Variant Classification Sherloc (09022015). Collection method: clinical testing. Allele origin: germline.
Comment: This sequence change affects an acceptor splice site in intron 7 of the DOCK6 gene. It is expected to disrupt RNA splicing. Variants that disrupt the donor or acceptor splice site typically lead to a loss of protein function (PMID: 16199547), and loss-of-function variants in DOCK6 are known to be pathogenic (PMID: 21820096, 25824905). The frequency data for this variant in the population databases is considered unreliable, as metrics indicate poor data quality at this position in the gnomAD database. This variant has not been reported in the literature in individuals affected with DOCK6-related conditions. Algorithms developed to predict the effect of sequence changes on RNA splicing suggest that this variant may disrupt the consensus splice site. In summary, the currently available evidence indicates that the variant is pathogenic, but additional data are needed to prove that conclusively. Therefore, this variant has been classified as Likely Pathogenic.

Juno Genomics, Hangzhou Juno Genomics, Inc
Classification: Likely pathogenic for Adams-Oliver syndrome 2. Review status: criteria provided, single submitter. Criteria: ACMG Guidelines, 2015. Collection method: clinical testing. Allele origin: germline. Affected: yes.
Comment: Absent from controls (or at extremely low frequency if recessive) in Genome Aggregation Database, Exome Sequencing Project, 1000 Genomes Project, or Exome Aggregation Consortium.;Null variant in a gene where loss of function (LOF) is a known mechanism of disease.

Literature cited by the submitters: PubMed 16199547 (cited by Labcorp Genetics (formerly Invitae), Labcorp); PubMed 21820096 (cited by Labcorp Genetics (formerly Invitae), Labcorp); PubMed 25824905 (cited by Labcorp Genetics (formerly Invitae), Labcorp).